The following is an entry in ClinVar:

NM_006231.4(POLE):c.3070A>C (p.Met1024Leu)

Gene: POLE (DNA polymerase epsilon, catalytic subunit; minus strand). Cytogenetic location: 12q24.33.
Variant type: single nucleotide variant.
Coding change: c.3070A>C on transcript NM_006231.4 (MANE Select); coding-DNA position 3070, A replaced by C.
Protein change: p.Met1024Leu; replaces methionine 1024 with leucine.
Molecular consequence: missense variant.
Genome position (GRCh38, 1-based): chr12:132,659,500, T>G on the plus strand (A>C on the coding strand, the complement: POLE is on the minus strand). VCF-style: chr12-132659500-T-G. GRCh37 (hg19) VCF-style: chr12-133236086-T-G.
Other names: short protein forms M1024L.
Identifiers: ClinVar variation 4862322 (VCV004862322.1).

ClinVar aggregate classification (germline): Uncertain significance (1 of 4 stars; one submission).

Conditions:
Hereditary cancer-predisposing syndrome. Also called: Neoplastic Syndromes, Hereditary; Tumor predisposition; Hereditary Cancer Syndrome; Hereditary neoplastic syndrome. Identifiers: Orphanet 140162, MedGen C0027672, MeSH D009386, MONDO:0015356.

Submission:

Ambry Genetics
Classification: Uncertain significance for Hereditary cancer-predisposing syndrome. Last evaluated: 2026-05-19. Review status: criteria provided, single submitter. Criteria: Ambry Variant Classification Scheme 2023. Collection method: clinical testing. Allele origin: germline.
Comment: The p.M1024L variant (also known as c.3070A>C), located in coding exon 26 of the POLE gene, results from an A to C substitution at nucleotide position 3070. The methionine at codon 1024 is replaced by leucine, an amino acid with highly similar properties. This amino acid position is conserved. In addition, the in silico prediction for this alteration is inconclusive. Based on the available evidence, the clinical significance of this variant remains unclear.